The following is an entry in ClinVar:

ClinVar aggregate classification (germline): Uncertain significance (1 of 4 stars; one submission).

Allele frequency attached by ClinVar (database versions not stated): TOPMed below 0.00001; gnomAD 0.00001.

Submission:

GeneDx
Classification: Uncertain significance. Last evaluated: 2023-02-23. Review status: criteria provided, single submitter. Criteria: GeneDx Variant Classification Process June 2021. Collection method: clinical testing. Allele origin: germline. Affected: yes.
Comment: Not observed at significant frequency in large population cohorts (gnomAD); In silico analysis supports that this missense variant does not alter protein structure/function; Has not been previously published as pathogenic or benign to our knowledge

NM_001134363.3(RBM20):c.166G>A (p.Ala56Thr)

Gene: RBM20 (RNA binding motif protein 20; plus strand). Cytogenetic location: 10q25.2.
Variant type: single nucleotide variant.
Coding change: c.166G>A on transcript NM_001134363.3 (MANE Select); coding-DNA position 166, G replaced by A.
Protein change: p.Ala56Thr; replaces alanine 56 with threonine.
Molecular consequence: missense variant.
Genome position (GRCh38, 1-based): chr10:110,644,620, G>A. VCF-style: chr10-110644620-G-A. GRCh37 (hg19) VCF-style: chr10-112404378-G-A.
Other names: short protein forms A56T.
Identifiers: ClinVar variation 2577618 (VCV002577618.1), dbSNP rs1165657653, ClinGen allele CA378527934.